The following is an entry in ClinVar:

NM_001267727.2(ARSG):c.1148G>A (p.Gly383Glu)

Gene: ARSG (arylsulfatase G; plus strand). Cytogenetic location: 17q24.2.
Variant type: single nucleotide variant.
Coding change: c.1148G>A on transcript NM_001267727.2 (MANE Select); coding-DNA position 1148, G replaced by A.
Protein change: p.Gly383Glu; replaces glycine 383 with glutamic acid.
Molecular consequence: missense variant.
Genome position (GRCh38, 1-based): chr17:68,395,129, G>A. VCF-style: chr17-68395129-G-A. GRCh37 (hg19) VCF-style: chr17-66391270-G-A.
Other names: c.1148G>A, p.Gly383Glu (NM_001352899.2, NM_001352900.2, NM_001352901.2 and 3 more transcripts); c.1145G>A, p.Gly382Glu (NM_001352903.2, NM_001352904.2, NM_001352905.2 and 2 more transcripts); c.1100G>A, p.Gly367Glu (NM_001352909.2); short protein forms G382E, G367E, G383E.
Identifiers: ClinVar variation 2105036 (VCV002105036.4), dbSNP rs2081181201, ClinGen allele CA400747116.

ClinVar aggregate classification (germline): Uncertain significance (1 of 4 stars; one submission).

Allele frequency attached by ClinVar (database versions not stated): TOPMed below 0.00001.

Submission:

Labcorp Genetics (formerly Invitae), Labcorp
Classification: Uncertain significance. Last evaluated: 2022-03-01. Review status: criteria provided, single submitter. Criteria: Invitae Variant Classification Sherloc (09022015). Collection method: clinical testing. Allele origin: germline.
Comment: This variant is not present in population databases (gnomAD no frequency). This sequence change replaces glycine, which is neutral and non-polar, with glutamic acid, which is acidic and polar, at codon 383 of the ARSG protein (p.Gly383Glu). In summary, the available evidence is currently insufficient to determine the role of this variant in disease. Therefore, it has been classified as a Variant of Uncertain Significance. Algorithms developed to predict the effect of missense changes on protein structure and function (SIFT, PolyPhen-2, Align-GVGD) all suggest that this variant is likely to be tolerated. This variant has not been reported in the literature in individuals affected with ARSG-related conditions.